The following is an entry in ClinVar:

NM_000094.4(COL7A1):c.8074G>A (p.Gly2692Ser)

Gene: COL7A1 (collagen type VII alpha 1 chain; minus strand). Cytogenetic location: 3p21.31.
Variant type: single nucleotide variant.
Coding change: c.8074G>A on transcript NM_000094.4 (MANE Select); coding-DNA position 8074, G replaced by A.
Protein change: p.Gly2692Ser; replaces glycine 2692 with serine.
Molecular consequence: missense variant.
Genome position (GRCh38, 1-based): chr3:48,567,163, C>T on the plus strand (G>A on the coding strand, the complement: COL7A1 is on the minus strand). VCF-style: chr3-48567163-C-T. GRCh37 (hg19) VCF-style: chr3-48604596-C-T.
Other names: short protein forms G2692S.
Identifiers: ClinVar variation 4525753 (VCV004525753.3).

ClinVar aggregate classification (germline): Uncertain significance (1 of 4 stars; one submission).

gnomAD v4.1: 3 of 1,613,942 alleles (0.00019%); highest among the groups gnomAD compares: Non-Finnish European, 0.00025%; no homozygotes.

Submission:

Women's Health and Genetics/Laboratory Corporation of America, LabCorp
Classification: Uncertain significance. Last evaluated: 2026-01-15. Review status: criteria provided, single submitter. Criteria: LabCorp Variant Classification Summary - May 2015. Collection method: clinical testing. Allele origin: germline.
Comment: Variant summary: COL7A1 c.8074G>A (p.Gly2692Ser) results in a non-conservative amino acid change in the encoded protein sequence. Algorithms developed to predict the effect of missense changes on protein structure and function all suggest that this variant is likely to be disruptive. The variant was absent in 251296 control chromosomes. The available data on variant occurrences in the general population are insufficient to allow any conclusion about variant significance. To our knowledge, no occurrence of c.8074G>A in individuals affected with COL7A1-related conditions and no experimental evidence demonstrating its impact on protein function have been reported. ClinVar contains an entry for this variant (Variation ID: 4525753). Based on the evidence outlined above, the variant was classified as uncertain significance.